The following is an entry in ClinVar:

ClinVar aggregate classification (germline): Conflicting classifications of pathogenicity. Review status: criteria provided, conflicting classifications (1 of 4 stars). 2 submissions from 2 submitters: Uncertain significance (1); Likely benign (1). Last evaluated 2024-10-24.

Allele frequency attached by ClinVar (database versions not stated): gnomAD below 0.00001 and 0.00001; gnomAD exomes 0.00001 and 0.00003; ExAC 0.00006.
gnomAD v4.1: 21 of 1,551,604 alleles (0.0014%); highest among the groups gnomAD compares: Middle Eastern, 0.017%; no homozygotes.

Submissions (2):

Labcorp Genetics (formerly Invitae), Labcorp
Classification: Uncertain significance. Last evaluated: 2024-10-24. Review status: criteria provided, single submitter. Criteria: Invitae Variant Classification Sherloc (09022015). Collection method: clinical testing. Allele origin: germline.
Comment: This sequence change replaces alanine, which is neutral and non-polar, with threonine, which is neutral and polar, at codon 234 of the PRDM13 protein (p.Ala234Thr). This variant is present in population databases (rs770384917, gnomAD 0.02%). This variant has not been reported in the literature in individuals affected with PRDM13-related conditions. ClinVar contains an entry for this variant (Variation ID: 851649). An algorithm developed to predict the effect of missense changes on protein structure and function outputs the following: PolyPhen-2: "Benign". The threonine amino acid residue is found in multiple mammalian species, which suggests that this missense change does not adversely affect protein function. In summary, the available evidence is currently insufficient to determine the role of this variant in disease. Therefore, it has been classified as a Variant of Uncertain Significance.

Blueprint Genetics
Classification: Likely benign. Last evaluated: 2022-06-14. Review status: criteria provided, single submitter. Criteria: ACMG Guidelines, 2015. Collection method: clinical testing. Allele origin: germline.

NM_021620.4(PRDM13):c.700G>A (p.Ala234Thr)

Gene: PRDM13 (PR/SET domain 13; plus strand). Cytogenetic location: 6q16.2.
Variant type: single nucleotide variant.
Coding change: c.700G>A on transcript NM_021620.4 (MANE Select); coding-DNA position 700, G replaced by A.
Protein change: p.Ala234Thr; replaces alanine 234 with threonine.
Molecular consequence: missense variant.
Genome position (GRCh38, 1-based): chr6:99,613,335, G>A. VCF-style: chr6-99613335-G-A. GRCh37 (hg19) VCF-style: chr6-100061211-G-A.
Other names: short protein forms A234T.
Identifiers: ClinVar variation 851649 (VCV000851649.10), dbSNP rs770384917, ClinGen allele CA3936263.